The following is an entry in ClinVar:

NM_024675.4(PALB2):c.2139_2178del (p.Asp714fs)

Gene: PALB2 (partner and localizer of BRCA2; minus strand). Cytogenetic location: 16p12.2.
Variant type: Deletion.
Coding change: c.2139_2178del on transcript NM_024675.4 (MANE Select); coding-DNA positions 2139 to 2178, 40 bases deleted.
Protein change: p.Asp714fs; shifts the reading frame from aspartic acid 714.
Molecular consequence: frameshift variant. On other transcripts: intron variant (1).
Genome position (GRCh38, 1-based): chr16:23,629,976-23,630,015, 40 bases deleted. GRCh37 (hg19): chr16:23,641,297-23,641,336.
Other names: c.2079_2118del, p.Asp694fs (NM_001407296.1); c.2139_2178del, p.Asp714fs (NM_001407297.1, NM_001407298.1, NM_001407299.1 and 3 more transcripts); c.1254_1293del, p.Asp419fs (NM_001407304.1, NM_001407305.1, NM_001407306.1 and 5 more transcripts); c.351_390del, p.Asp118fs (NM_001407312.1, NM_001407313.1); c.49-740_49-701del (NM_001407314.1); short protein forms D118fs, D419fs, D694fs, D714fs.
Identifiers: ClinVar variation 2674099 (VCV002674099.1), dbSNP rs2506418982, ClinGen allele CA2695197491.

ClinVar aggregate classification (germline): Pathogenic (1 of 4 stars; one submission).

Conditions:
Familial cancer of breast. Also called: Hereditary breast cancer; BREAST CANCER, FAMILIAL; hereditary breast carcinoma. Identifiers: Orphanet 227535, MedGen C0346153, MONDO:0016419, OMIM 114480. Disease mechanism: loss of function.

Submission:

Myriad Genetics, Inc.
Classification: Pathogenic for Familial cancer of breast. Last evaluated: 2023-09-12. Review status: criteria provided, single submitter. Criteria: Myriad Autosomal Dominant, Autosomal Recessive and X-Linked Classification Criteria (2023). Collection method: clinical testing. Allele origin: unknown.
Comment: This variant is considered pathogenic. This variant creates a frameshift predicted to result in premature protein truncation.